The following is an entry in ClinVar:

NM_001105206.3(LAMA4):c.4037C>A (p.Thr1346Lys)

Gene: LAMA4 (laminin subunit alpha 4; minus strand). Cytogenetic location: 6q21.
Variant type: single nucleotide variant.
Coding change: c.4037C>A on transcript NM_001105206.3 (MANE Select); coding-DNA position 4037, C replaced by A.
Protein change: p.Thr1346Lys; replaces threonine 1346 with lysine.
Molecular consequence: missense variant.
Genome position (GRCh38, 1-based): chr6:112,129,972, G>T on the plus strand (C>A on the coding strand, the complement: LAMA4 is on the minus strand). VCF-style: chr6-112129972-G-T. GRCh37 (hg19) VCF-style: chr6-112451174-G-T.
Other names: c.4016C>A, p.Thr1339Lys (NM_001105207.3, NM_002290.5); short protein forms T1339K, T1346K.
Identifiers: ClinVar variation 3536939 (VCV003536939.1).

ClinVar aggregate classification (germline): Uncertain significance (1 of 4 stars; one submission).

Conditions:
Cardiovascular phenotype. Identifiers: MedGen CN230736.

gnomAD v4.1: 3 of 1,613,092 alleles (0.00019%); highest among the groups gnomAD compares: Non-Finnish European, 0.00025%; no homozygotes.

Submission:

Ambry Genetics
Classification: Uncertain significance for Cardiovascular phenotype. Last evaluated: 2024-08-11. Review status: criteria provided, single submitter. Criteria: Ambry Variant Classification Scheme 2023. Collection method: clinical testing. Allele origin: germline.
Comment: The p.T1339K variant (also known as c.4016C>A), located in coding exon 29 of the LAMA4 gene, results from a C to A substitution at nucleotide position 4016. The threonine at codon 1339 is replaced by lysine, an amino acid with similar properties. This amino acid position is conserved. In addition, this alteration is predicted to be tolerated by in silico analysis. Based on the available evidence, the clinical significance of this variant remains unclear.